The following is an entry in ClinVar:

ClinVar aggregate classification (germline): Uncertain significance. Review status: criteria provided, multiple submitters, no conflicts (2 of 4 stars). 3 submissions from 3 submitters: Uncertain significance (3). Last evaluated 2025-09-28.

Conditions:
Inborn genetic diseases. Identifiers: MedGen C0950123, MeSH D030342.
Hennekam lymphangiectasia-lymphedema syndrome 2 (HKLLS2). Identifiers: Orphanet 2136, MedGen C4014939, MONDO:0014454, OMIM 616006.
Van Maldergem syndrome 2 (VMLDS2). Identifiers: Orphanet 314679, MedGen C3809875, MONDO:0014242, OMIM 615546.

gnomAD v4.1: 19 of 1,613,866 alleles (0.0012%); highest among the groups gnomAD compares: African/African-American, 0.023%; no homozygotes.

Submissions (3):

Ambry Genetics
Classification: Uncertain significance for Inborn genetic diseases. Last evaluated: 2025-09-28. Review status: criteria provided, single submitter. Criteria: Ambry Variant Classification Scheme 2023. Collection method: clinical testing. Allele origin: germline.

Fulgent Genetics
Classification: Uncertain significance for Van Maldergem syndrome 2; Hennekam lymphangiectasia-lymphedema syndrome 2. Last evaluated: 2024-04-23. Review status: criteria provided, single submitter. Criteria: ACMG Guidelines, 2015. Collection method: clinical testing. Allele origin: germline.

Labcorp Genetics (formerly Invitae), Labcorp
Classification: Uncertain significance. Last evaluated: 2024-04-01. Review status: criteria provided, single submitter. Criteria: Invitae Variant Classification Sherloc (09022015). Collection method: clinical testing. Allele origin: germline.
Comment: This sequence change replaces alanine, which is neutral and non-polar, with aspartic acid, which is acidic and polar, at codon 132 of the FAT4 protein (p.Ala132Asp). This variant is present in population databases (rs745914019, gnomAD 0.02%). This variant has not been reported in the literature in individuals affected with FAT4-related conditions. Advanced modeling of protein sequence and biophysical properties (such as structural, functional, and spatial information, amino acid conservation, physicochemical variation, residue mobility, and thermodynamic stability) performed at Invitae indicates that this missense variant is not expected to disrupt FAT4 protein function with a negative predictive value of 95%. In summary, the available evidence is currently insufficient to determine the role of this variant in disease. Therefore, it has been classified as a Variant of Uncertain Significance.

NM_001291303.3(FAT4):c.395C>A (p.Ala132Asp)

Gene: FAT4 (FAT atypical cadherin 4; plus strand). Cytogenetic location: 4q28.1.
Variant type: single nucleotide variant.
Coding change: c.395C>A on transcript NM_001291303.3 (MANE Select); coding-DNA position 395, C replaced by A.
Protein change: p.Ala132Asp; replaces alanine 132 with aspartic acid.
Molecular consequence: missense variant.
Genome position (GRCh38, 1-based): chr4:125,316,806, C>A. VCF-style: chr4-125316806-C-A. GRCh37 (hg19) VCF-style: chr4-126237961-C-A.
Other names: c.395C>A (NM_024582.5, NM_024582.4); c.395C>A, p.Ala132Asp (NM_001291285.3, NM_024582.6); short protein forms A132D.
Identifiers: ClinVar variation 3589864 (VCV003589864.4).